The following is an entry in ClinVar:

ClinVar aggregate classification (germline): Uncertain significance (1 of 4 stars; one submission).

Conditions:
Deficiency of butyryl-CoA dehydrogenase (ACADSD). Also called: SCADH DEFICIENCY; SCAD Deficiency; ACADS DEFICIENCY; SCAD DEFICIENCY, MILD; ACYL-CoA DEHYDROGENASE, SHORT-CHAIN, DEFICIENCY OF; Short-Chain Acyl-CoA Dehydrogenase Deficiency. Identifiers: Orphanet 26792, MedGen C0342783, MONDO:0008722, OMIM 201470. Disease mechanism: May be benign.

gnomAD v4.1: 2 of 1,612,952 alleles (0.00012%); highest among the groups gnomAD compares: Admixed American, 0.0033%; no homozygotes.

Submission:

Labcorp Genetics (formerly Invitae), Labcorp
Classification: Uncertain significance for Deficiency of butyryl-CoA dehydrogenase. Last evaluated: 2024-06-17. Review status: criteria provided, single submitter. Criteria: Invitae Variant Classification Sherloc (09022015). Collection method: clinical testing. Allele origin: germline.
Comment: This sequence change replaces tyrosine, which is neutral and polar, with cysteine, which is neutral and slightly polar, at codon 391 of the ACADS protein (p.Tyr391Cys). This variant is present in population databases (rs763455552, gnomAD 0.009%). This variant has not been reported in the literature in individuals affected with ACADS-related conditions. Advanced modeling of protein sequence and biophysical properties (such as structural, functional, and spatial information, amino acid conservation, physicochemical variation, residue mobility, and thermodynamic stability) performed at Invitae indicates that this missense variant is expected to disrupt ACADS protein function with a positive predictive value of 95%. In summary, the available evidence is currently insufficient to determine the role of this variant in disease. Therefore, it has been classified as a Variant of Uncertain Significance.

NM_000017.4(ACADS):c.1172A>G (p.Tyr391Cys)

Gene: ACADS (acyl-CoA dehydrogenase short chain; plus strand). Cytogenetic location: 12q24.31.
Variant type: single nucleotide variant.
Coding change: c.1172A>G on transcript NM_000017.4 (MANE Select); coding-DNA position 1172, A replaced by G.
Protein change: p.Tyr391Cys; replaces tyrosine 391 with cysteine.
Molecular consequence: missense variant.
Genome position (GRCh38, 1-based): chr12:120,739,381, A>G. VCF-style: chr12-120739381-A-G. GRCh37 (hg19) VCF-style: chr12-121177184-A-G.
Other names: c.1160A>G, p.Tyr387Cys (NM_001302554.2); short protein forms Y387C, Y391C.
Identifiers: ClinVar variation 3621472 (VCV003621472.2).
Genomic context (GRCh38, chr12:120,739,381, plus strand): 5'-GCTACGTGACAGAGATGCCGGCAGAGCGGCACTACCGCGACGCCCGCATCACTGAGATCT[A>G]CGAGGGCACCAGCGAAATCCAGCGGCTGGTGATCGCCGGGCATCTGCTCAGGAGCTACCG-3'
Protein context (NP_000008.1, residues 381-401): HYRDARITEI[Tyr391Cys]EGTSEIQRLV